The following is an entry in ClinVar:

NM_001042492.3(NF1):c.2336dup (p.Asp779fs)

Gene: NF1 (neurofibromin 1; plus strand). Cytogenetic location: 17q11.2.
Variant type: Duplication.
Coding change: c.2336dup on transcript NM_001042492.3 (MANE Select); coding-DNA position 2336, one base duplicated (A; older notation c.2336dupA).
Protein change: p.Asp779fs; shifts the reading frame from aspartic acid 779.
Molecular consequence: frameshift variant.
Genome position (GRCh38, 1-based): chr17:31,227,533, A duplicated. VCF-style (leftmost placement, unchanged base first): chr17-31227532-G-GA. GRCh37 (hg19) VCF-style: chr17-29554550-G-GA.
Other names: c.2336dup, p.Asp779Glufs (NM_000267.4); short protein forms D779fs.
Identifiers: ClinVar variation 2061958 (VCV002061958.4), dbSNP rs2508170634, ClinGen allele CA2580093205.

ClinVar aggregate classification (germline): Pathogenic (1 of 4 stars; one submission).

Conditions:
Neurofibromatosis, type 1 (NF1). Also called: NEUROFIBROMATOSIS, TYPE I, SOMATIC; VON RECKLINGHAUSEN DISEASE; Peripheral type neurofibromatosis; Neurofibromatosis, type I. Identifiers: Orphanet 636, MedGen C0027831, MONDO:0018975, OMIM 162200. Disease mechanism: loss of function.

Submission:

Labcorp Genetics (formerly Invitae), Labcorp
Classification: Pathogenic for Neurofibromatosis, type 1. Last evaluated: 2021-12-27. Review status: criteria provided, single submitter. Criteria: Invitae Variant Classification Sherloc (09022015). Collection method: clinical testing. Allele origin: germline.
Comment: This sequence change creates a premature translational stop signal (p.Asp779Glufs*15) in the NF1 gene. It is expected to result in an absent or disrupted protein product. Loss-of-function variants in NF1 are known to be pathogenic (PMID: 10712197, 23913538). This variant is not present in population databases (gnomAD no frequency). This variant has not been reported in the literature in individuals affected with NF1-related conditions. For these reasons, this variant has been classified as Pathogenic.

Literature cited by the submitters: PubMed 10712197; PubMed 23913538.